The following is an entry in ClinVar:

NM_152564.5(VPS13B):c.5631G>A (p.Arg1877=)

Gene: VPS13B (vacuolar protein sorting 13 homolog B; plus strand). Cytogenetic location: 8q22.2.
Variant type: single nucleotide variant.
Coding change: c.5631G>A on transcript NM_152564.5 (MANE Select); coding-DNA position 5631, G replaced by A.
Protein change: p.Arg1877=; no amino-acid change (arginine 1877 retained).
Molecular consequence: synonymous variant.
Genome position (GRCh38, 1-based): chr8:99,642,221, G>A. VCF-style: chr8-99642221-G-A. GRCh37 (hg19) VCF-style: chr8-100654449-G-A.
Other names: c.5706G>A, p.Arg1902= (NM_017890.5); c.5631G>A (NM_152564.4).
Identifiers: ClinVar variation 1143292 (VCV001143292.12), dbSNP rs937213176, ClinGen allele CA183013598.

ClinVar aggregate classification (germline): Conflicting classifications of pathogenicity. Review status: criteria provided, conflicting classifications (1 of 4 stars). 3 submissions from 3 submitters: Uncertain significance (1); Likely benign (1). 1 of the submissions does not count toward it. Last evaluated 2026-01-19.

Conditions:
Cohen syndrome (COH1). Also called: PEPPER SYNDROME; Cutis verticis gyrata, retinitis pigmentosa, and sensorineural deafness. Identifiers: Orphanet 193, MedGen C0265223, MONDO:0008999, OMIM 216550.
VPS13B-related disorder. Also called: VPS13B-related condition.

Allele frequency attached by ClinVar (database versions not stated): gnomAD exomes 0.00001; gnomAD 0.00007 and 0.00008; TOPMed 0.00024.
gnomAD v4.1: 26 of 1,614,000 alleles (0.0016%); highest among the groups gnomAD compares: Admixed American, 0.023%; no homozygotes.

Submissions (3):

Labcorp Genetics (formerly Invitae), Labcorp
Classification: Likely benign for Cohen syndrome. Last evaluated: 2026-01-19. Review status: criteria provided, single submitter. Criteria: Invitae Variant Classification Sherloc (09022015). Collection method: clinical testing. Allele origin: germline.

Blueprint Genetics
Classification: Uncertain significance. Last evaluated: 2021-09-20. Review status: criteria provided, single submitter. Criteria: ACMG Guidelines, 2015. Collection method: clinical testing. Allele origin: germline.

PreventionGenetics, part of Exact Sciences
Classification: Likely benign for VPS13B-related condition. Last evaluated: 2019-11-21. Review status: no assertion criteria provided. Collection method: clinical testing. Allele origin: germline. Not counted in ClinVar's aggregate classification.
Comment: This variant is classified as likely benign based on ACMG/AMP sequence variant interpretation guidelines (Richards et al. 2015 PMID: 25741868, with internal and published modifications).